The following is an entry in ClinVar:

NM_020949.3(SLC7A14):c.1576G>A (p.Glu526Lys)

Genes: SLC7A14 (solute carrier family 7 member 14; minus strand), SLC7A14-AS1 (SLC7A14 antisense RNA 1; plus strand). Cytogenetic location: 3q26.2.
Variant type: single nucleotide variant.
Coding change: c.1576G>A on transcript NM_020949.3 (MANE Select); coding-DNA position 1576, G replaced by A.
Protein change: p.Glu526Lys; replaces glutamic acid 526 with lysine.
Molecular consequence: missense variant.
Genome position (GRCh38, 1-based): chr3:170,480,706, C>T on the plus strand (G>A on the coding strand, the complement: SLC7A14 is on the minus strand). VCF-style: chr3-170480706-C-T. GRCh37 (hg19) VCF-style: chr3-170198495-C-T.
Other names: short protein forms E526K.
Identifiers: ClinVar variation 3621312 (VCV003621312.2).

ClinVar aggregate classification (germline): Uncertain significance (1 of 4 stars; one submission).

gnomAD v4.1: 22 of 1,614,066 alleles (0.0014%); highest among the groups gnomAD compares: African/African-American, 0.0027%; no homozygotes.

Submission:

Labcorp Genetics (formerly Invitae), Labcorp
Classification: Uncertain significance. Last evaluated: 2025-07-09. Review status: criteria provided, single submitter. Criteria: Invitae Variant Classification Sherloc (09022015). Collection method: clinical testing. Allele origin: germline.
Comment: This sequence change replaces glutamic acid, which is acidic and polar, with lysine, which is basic and polar, at codon 526 of the SLC7A14 protein (p.Glu526Lys). The frequency data for this variant in the population databases is considered unreliable, as metrics indicate poor data quality at this position in the gnomAD database. This variant has not been reported in the literature in individuals affected with SLC7A14-related conditions. ClinVar contains an entry for this variant (Variation ID: 3621312). An algorithm developed to predict the effect of missense changes on protein structure and function (PolyPhen-2) suggests that this variant is likely to be tolerated. In summary, the available evidence is currently insufficient to determine the role of this variant in disease. Therefore, it has been classified as a Variant of Uncertain Significance.